The following is an entry in ClinVar:

ClinVar aggregate classification (germline): Uncertain significance. Review status: criteria provided, single submitter (1 of 4 stars). 2 submissions from 2 submitters: Uncertain significance (1). 1 of the submissions does not count toward it. Last evaluated 2022-05-17.

Allele frequency attached by ClinVar (database versions not stated): gnomAD 0.00004 and 0.00005; TOPMed 0.00005; 1000 Genomes Project 30x 0.00016.
gnomAD v4.1: 69 of 1,613,296 alleles (0.0043%); highest among the groups gnomAD compares: South Asian, 0.045%; no homozygotes.

Submissions (2):

Labcorp Genetics (formerly Invitae), Labcorp
Classification: Uncertain significance. Last evaluated: 2022-05-17. Review status: criteria provided, single submitter. Criteria: Invitae Variant Classification Sherloc (09022015). Collection method: clinical testing. Allele origin: germline.
Comment: In summary, the available evidence is currently insufficient to determine the role of this variant in disease. Therefore, it has been classified as a Variant of Uncertain Significance. Algorithms developed to predict the effect of missense changes on protein structure and function output the following: SIFT: "Tolerated"; PolyPhen-2: "Benign"; Align-GVGD: "Class C0". The serine amino acid residue is found in multiple mammalian species, which suggests that this missense change does not adversely affect protein function. ClinVar contains an entry for this variant (Variation ID: 1048939). This variant has not been reported in the literature in individuals affected with NAXD-related conditions. This variant is present in population databases (rs55839400, gnomAD 0.06%). This sequence change replaces asparagine, which is neutral and polar, with serine, which is neutral and polar, at codon 133 of the NAXD protein (p.Asn133Ser).

Department of Pathology and Laboratory Medicine, Sinai Health System
Classification: Uncertain significance. Review status: no assertion criteria provided. Collection method: clinical testing. Allele origin: unknown. Affected: yes. Study: The Canadian Open Genetics Repository (COGR). Not counted in ClinVar's aggregate classification.
Comment: The NAXD p.Asn115Ser variant was not identified in the literature nor was it identified in ClinVar. The variant was identified in dbSNP (ID: rs55839400) and in control databases in 25 of 282852 chromosomes at a frequency of 0.00008839 (Genome Aggregation Database March 6, 2019, v2.1.1). The variant was observed in the following populations: South Asian in 18 of 30616 chromosomes (freq: 0.000588), African in 4 of 24966 chromosomes (freq: 0.00016), East Asian in 1 of 19950 chromosomes (freq: 0.00005), Latino in 1 of 35436 chromosomes (freq: 0.000028) and European (non-Finnish) in 1 of 129164 chromosomes (freq: 0.000008), but was not observed in the Ashkenazi Jewish, European (Finnish), and Other populations. The p.Asn115 residue is not conserved in mammals and four out of five computational analyses (PolyPhen-2, SIFT, AlignGVGD, BLOSUM, MutationTaster) do not suggest a high likelihood of impact to the protein; however, this information is not predictive enough to rule out pathogenicity. The variant occurs outside of the splicing consensus sequence and three of four in silico or computational prediction software programs (SpliceSiteFinder, MaxEntScan, NNSPLICE, GeneSplicer) do not predict a difference in splicing. In summary, based on the above information the clinical significance of this variant cannot be determined with certainty at this time. This variant is classified as a variant of uncertain significance.

NM_001242882.2(NAXD):c.344A>G (p.Asn115Ser)

Gene: NAXD (NAD(P)HX dehydratase; plus strand). Cytogenetic location: 13q34.
Variant type: single nucleotide variant.
Coding change: c.344A>G on transcript NM_001242882.2 (MANE Select); coding-DNA position 344, A replaced by G.
Protein change: p.Asn115Ser; replaces asparagine 115 with serine.
Molecular consequence: missense variant. On other transcripts: non-coding transcript variant (2).
Genome position (GRCh38, 1-based): chr13:110,627,450, A>G. VCF-style: chr13-110627450-A-G. GRCh37 (hg19) VCF-style: chr13-111279797-A-G.
Other names: c.398A>G, p.Asn133Ser (NM_001242881.2, NM_018210.4); c.68A>G, p.Asn23Ser (NM_001242883.2); short protein forms N115S, N133S, N23S.
Identifiers: ClinVar variation 1048939 (VCV001048939.9), dbSNP rs55839400, ClinGen allele CA7051164.